The following is an entry in ClinVar:

ClinVar aggregate classification (germline): Conflicting classifications of pathogenicity. Review status: criteria provided, conflicting classifications (1 of 4 stars). 2 submissions from 2 submitters: Uncertain significance (1); Likely benign (1). Last evaluated 2024-03-04.

Conditions:
Inborn genetic diseases. Identifiers: MedGen C0950123, MeSH D030342.
Charcot-Marie-Tooth disease axonal type 2S. Also called: CHARCOT-MARIE-TOOTH NEUROPATHY, TYPE 2S; CHARCOT-MARIE-TOOTH DISEASE, AXONAL, AUTOSOMAL RECESSIVE, TYPE 2S. Identifiers: Orphanet 443073, MedGen C4015349, MONDO:0014511, OMIM 616155.
Autosomal recessive distal spinal muscular atrophy 1. Also called: Spinal muscular atrophy with respiratory distress 1; SEVERE INFANTILE AXONAL NEUROPATHY WITH RESPIRATORY FAILURE; SPINAL MUSCULAR ATROPHY, DIAPHRAGMATIC; HMN VI; NEURONOPATHY, SEVERE INFANTILE AXONAL, WITH RESPIRATORY FAILURE; NEURONOPATHY, DISTAL HEREDITARY MOTOR, HARDING TYPE VI. Identifiers: Orphanet 98920, MedGen C1858517, MONDO:0011436, OMIM 604320.

Allele frequency attached by ClinVar (database versions not stated): gnomAD exomes 0.00004 and 0.00005; ExAC 0.00005; gnomAD 0.00005; TOPMed 0.00007; 1000 Genomes Project 30x 0.00016; 1000 Genomes Project 0.00020.
gnomAD v4.1: 75 of 1,610,998 alleles (0.0047%); highest among the groups gnomAD compares: Admixed American, 0.015%; no homozygotes.

Submissions (2):

Labcorp Genetics (formerly Invitae), Labcorp
Classification: Likely benign for Autosomal recessive distal spinal muscular atrophy 1; Charcot-Marie-Tooth disease axonal type 2S. Last evaluated: 2024-03-04. Review status: criteria provided, single submitter. Criteria: Invitae Variant Classification Sherloc (09022015). Collection method: clinical testing. Allele origin: germline.

Ambry Genetics
Classification: Uncertain significance for Inborn genetic diseases. Last evaluated: 2022-08-10. Review status: criteria provided, single submitter. Criteria: Ambry Variant Classification Scheme 2023. Collection method: clinical testing. Allele origin: germline.
Comment: The c.1236-5C>T intronic variant results from a C to T substitution 5 nucleotides upstream from coding exon 9 in the IGHMBP2 gene. This nucleotide position is poorly conserved in available vertebrate species. In silico splice site analysis predicts that this alteration will not have any significant effect on splicing. Since supporting evidence is limited at this time, the clinical significance of this alteration remains unclear.

NM_002180.3(IGHMBP2):c.1236-5C>T

Gene: IGHMBP2 (immunoglobulin mu DNA binding protein 2; plus strand). Cytogenetic location: 11q13.3.
Variant type: single nucleotide variant.
Coding change: c.1236-5C>T on transcript NM_002180.3 (MANE Select); 5 bases into the intron before coding-DNA position 1236, C replaced by T.
Molecular consequence: intron variant.
Genome position (GRCh38, 1-based): chr11:68,933,294, C>T. VCF-style: chr11-68933294-C-T. GRCh37 (hg19) VCF-style: chr11-68700762-C-T.
Identifiers: ClinVar variation 735245 (VCV000735245.13), dbSNP rs191443556, ClinGen allele CA6153584.